The following is an entry in ClinVar:

ClinVar aggregate classification (germline): Uncertain significance. Review status: criteria provided, multiple submitters, no conflicts (2 of 4 stars). 4 submissions from 3 submitters: Uncertain significance (4). Last evaluated 2025-09-02.

Conditions:
Ectopia lentis et pupillae. Also called: ECTOPIA LENTIS WITH ECTOPIA OF PUPIL. Identifiers: Orphanet 1885, MedGen C1644196, MONDO:0009153, OMIM 225200.
Inborn genetic diseases. Identifiers: MedGen C0950123, MeSH D030342.
Ectopia lentis 2, isolated, autosomal recessive (ECTOL2). Identifiers: Orphanet 1885, MedGen C3541474, MONDO:0009152, OMIM 225100.

Allele frequency attached by ClinVar (database versions not stated): gnomAD exomes 0.00001; TOPMed 0.00003.

Submissions (4):

Labcorp Genetics (formerly Invitae), Labcorp
Classification: Uncertain significance. Last evaluated: 2025-09-02. Review status: criteria provided, single submitter. Criteria: Invitae Variant Classification Sherloc (09022015). Collection method: clinical testing. Allele origin: germline.
Comment: This sequence change replaces glycine, which is neutral and non-polar, with arginine, which is basic and polar, at codon 756 of the ADAMTSL4 protein (p.Gly756Arg). This variant is present in population databases (no rsID available, gnomAD 0.003%). This variant has not been reported in the literature in individuals affected with ADAMTSL4-related conditions. ClinVar contains an entry for this variant (Variation ID: 2193821). Invitae Evidence Modeling of protein sequence and biophysical properties (such as structural, functional, and spatial information, amino acid conservation, physicochemical variation, residue mobility, and thermodynamic stability) indicates that this missense variant is not expected to disrupt ADAMTSL4 protein function with a negative predictive value of 80%. In summary, the available evidence is currently insufficient to determine the role of this variant in disease. Therefore, it has been classified as a Variant of Uncertain Significance.

Genome-Nilou Lab
Classification: Uncertain significance for Ectopia lentis et pupillae. Last evaluated: 2023-04-11. Review status: criteria provided, single submitter. Criteria: ACMG Guidelines, 2015. Collection method: clinical testing. Allele origin: germline. Affected: no.

Genome-Nilou Lab
Classification: Uncertain significance for Ectopia lentis 2, isolated, autosomal recessive. Last evaluated: 2023-04-11. Review status: criteria provided, single submitter. Criteria: ACMG Guidelines, 2015. Collection method: clinical testing. Allele origin: germline. Affected: no.

Ambry Genetics
Classification: Uncertain significance for Inborn genetic diseases. Last evaluated: 2021-10-05. Review status: criteria provided, single submitter. Criteria: Ambry Variant Classification Scheme 2023. Collection method: clinical testing. Allele origin: germline.

NM_019032.6(ADAMTSL4):c.2266G>A (p.Gly756Arg)

Gene: ADAMTSL4 (ADAMTS like 4; plus strand). Cytogenetic location: 1q21.2.
Variant type: single nucleotide variant.
Coding change: c.2266G>A on transcript NM_019032.6 (MANE Select); coding-DNA position 2266, G replaced by A.
Protein change: p.Gly756Arg; replaces glycine 756 with arginine.
Molecular consequence: missense variant.
Genome position (GRCh38, 1-based): chr1:150,558,033, G>A. VCF-style: chr1-150558033-G-A. GRCh37 (hg19) VCF-style: chr1-150530509-G-A.
Other names: c.2149G>A, p.Gly717Arg (NM_001288607.2); c.2335G>A, p.Gly779Arg (NM_001288608.2); c.2266G>A, p.Gly756Arg (NM_001378596.1, NM_025008.5); c.2266G>A (NM_019032.4); short protein forms G717R, G756R, G779R.
Identifiers: ClinVar variation 2193821 (VCV002193821.4), dbSNP rs1275711228, ClinGen allele CA342314773.